The following is an entry in ClinVar:

NM_002334.4(LRP4):c.2607G>C (p.Met869Ile)

Gene: LRP4 (LDL receptor related protein 4; minus strand). Cytogenetic location: 11p11.2.
Variant type: single nucleotide variant.
Coding change: c.2607G>C on transcript NM_002334.4 (MANE Select); coding-DNA position 2607, G replaced by C.
Protein change: p.Met869Ile; replaces methionine 869 with isoleucine.
Molecular consequence: missense variant.
Genome position (GRCh38, 1-based): chr11:46,883,876, C>G on the plus strand (G>C on the coding strand, the complement: LRP4 is on the minus strand). VCF-style: chr11-46883876-C-G. GRCh37 (hg19) VCF-style: chr11-46905427-C-G.
Other names: short protein forms M869I.
Identifiers: ClinVar variation 1401603 (VCV001401603.6), dbSNP rs1370824030, ClinGen allele CA380279366.

ClinVar aggregate classification (germline): Uncertain significance (1 of 4 stars; one submission).

Conditions:
Sclerosteosis 2 (SOST2). Identifiers: Orphanet 3152, MedGen C3280402, MONDO:0013679, OMIM 614305.
Congenital myasthenic syndrome 17. Identifiers: Orphanet 590, MedGen C4225377, MONDO:0014578, OMIM 616304.
Cenani-Lenz syndactyly syndrome. Also called: CENANI SYNDACTYLISM; SYNDACTYLY, TYPE VII. Identifiers: Orphanet 3258, MedGen C1859309, MONDO:0008931, OMIM 212780.

Allele frequency attached by ClinVar (database versions not stated): gnomAD exomes below 0.00001 and 0.00001; gnomAD 0.00002.
gnomAD v4.1: 12 of 1,613,828 alleles (0.00074%); highest among the groups gnomAD compares: East Asian, 0.022%; no homozygotes.

Submission:

Labcorp Genetics (formerly Invitae), Labcorp
Classification: Uncertain significance for Cenani-Lenz syndactyly syndrome; Sclerosteosis 2; Congenital myasthenic syndrome 17. Last evaluated: 2022-11-22. Review status: criteria provided, single submitter. Criteria: Invitae Variant Classification Sherloc (09022015). Collection method: clinical testing. Allele origin: germline.
Comment: In summary, the available evidence is currently insufficient to determine the role of this variant in disease. Therefore, it has been classified as a Variant of Uncertain Significance. This sequence change replaces methionine, which is neutral and non-polar, with isoleucine, which is neutral and non-polar, at codon 869 of the LRP4 protein (p.Met869Ile). This variant is present in population databases (no rsID available, gnomAD 0.006%). This variant has not been reported in the literature in individuals affected with LRP4-related conditions. ClinVar contains an entry for this variant (Variation ID: 1401603). Advanced modeling of protein sequence and biophysical properties (such as structural, functional, and spatial information, amino acid conservation, physicochemical variation, residue mobility, and thermodynamic stability) performed at Invitae indicates that this missense variant is not expected to disrupt LRP4 protein function.